The following is an entry in ClinVar:

NM_001164508.2(NEB):c.19483G>T (p.Asp6495Tyr)

Genes: NEB (nebulin; minus strand), LOC126806373 (BRD4-independent group 4 enhancer GRCh37_chr2:152410007-152411206; plus strand). Cytogenetic location: 2q23.3.
Variant type: single nucleotide variant.
Coding change: c.19483G>T on transcript NM_001164508.2 (MANE Select); coding-DNA position 19483, G replaced by T.
Protein change: p.Asp6495Tyr; replaces aspartic acid 6495 with tyrosine.
Molecular consequence: missense variant.
Genome position (GRCh38, 1-based): chr2:151,553,971, C>A on the plus strand (G>T on the coding strand, the complement: NEB is on the minus strand). VCF-style: chr2-151553971-C-A. GRCh37 (hg19) VCF-style: chr2-152410485-C-A.
Other names: c.19483G>T, p.Asp6495Tyr (NM_001164507.2, NM_001271208.2); c.14380G>T, p.Asp4794Tyr (NM_004543.5); c.14380G>T (NM_004543.4); short protein forms D4794Y, D6495Y.
Identifiers: ClinVar variation 2651426 (VCV002651426.25), dbSNP rs748977335, ClinGen allele CA348791687.
Genomic context (GRCh38, chr2:151,553,971, plus strand): 5'-GGTAATCAATCTCACTGACTTTCTTCTGGGAATCCTTGGCAGTAACCATCTCTACCATGT[C>A]GGGCACGATGTGGATTTTCATCTTGTTCTTTTCATAAACTGATCTGTACAGGCGCTGTAA-3'
Protein context (NP_001157980.2, residues 6485-6505): KNKMKIHIVP[Asp6495Tyr]MVEMVTAKDS

ClinVar aggregate classification (germline): Uncertain significance. Review status: criteria provided, multiple submitters, no conflicts (2 of 4 stars). 2 submissions from 2 submitters: Uncertain significance (2). Last evaluated 2025-02-01.

Conditions:
Inborn genetic diseases. Identifiers: MedGen C0950123, MeSH D030342.

gnomAD v4.1: 10 of 1,613,694 alleles (0.00062%); highest among the groups gnomAD compares: Non-Finnish European, 0.00085%; no homozygotes.

Submissions (2):

Ambry Genetics
Classification: Uncertain significance for Inborn genetic diseases. Last evaluated: 2025-02-01. Review status: criteria provided, single submitter. Criteria: Ambry Variant Classification Scheme 2023. Collection method: clinical testing. Allele origin: germline.

CeGaT Center for Human Genetics Tuebingen
Classification: Uncertain significance. Last evaluated: 2023-03-01. Review status: criteria provided, single submitter. Criteria: CeGaT Center For Human Genetics Tuebingen Variant Classification Criteria Version 2. Collection method: clinical testing. Allele origin: germline. Affected: yes. Observed: 1 variant allele.
Comment: NEB: PM2